The following is an entry in ClinVar:

NM_000038.6(APC):c.332G>A (p.Ser111Asn)

Gene: APC (APC regulator of Wnt signaling pathway; plus strand). Cytogenetic location: 5q22.2.
Variant type: single nucleotide variant.
Coding change: c.332G>A on transcript NM_000038.6 (MANE Select); coding-DNA position 332, G replaced by A.
Protein change: p.Ser111Asn; replaces serine 111 with asparagine.
Molecular consequence: missense variant. On other transcripts: 5 prime UTR variant (1).
Genome position (GRCh38, 1-based): chr5:112,767,300, G>A. VCF-style: chr5-112767300-G-A. GRCh37 (hg19) VCF-style: chr5-112102997-G-A.
Other names: c.332G>A, p.Ser111Asn (NM_001127510.3, NM_001354895.2, NM_001354896.2 and 2 more transcripts); c.362G>A, p.Ser121Asn (NM_001127511.3, NM_001354897.2, NM_001354902.2); c.257G>A, p.Ser86Asn (NM_001354898.2, NM_001354904.2); c.155G>A, p.Ser52Asn (NM_001354900.2, NM_001354901.2, NM_001354905.2); c.-704G>A (NM_001354906.2); short protein forms S111N, S121N, S52N, S86N.
Identifiers: ClinVar variation 185623 (VCV000185623.27), dbSNP rs786202322, ClinGen allele CA008281.

ClinVar aggregate classification (germline): Uncertain significance. Review status: criteria provided, multiple submitters, no conflicts (2 of 4 stars). 8 submissions from 8 submitters: Uncertain significance (7). 1 of the submissions does not count toward it. Last evaluated 2026-01-13.

Conditions:
Classic or attenuated familial adenomatous polyposis. Identifiers: MedGen CN372698, MONDO:0021057.
Hereditary cancer-predisposing syndrome. Also called: Hereditary neoplastic syndrome; Neoplastic Syndromes, Hereditary; Tumor predisposition; Hereditary Cancer Syndrome. Identifiers: Orphanet 140162, MedGen C0027672, MeSH D009386, MONDO:0015356.
Familial adenomatous polyposis 1 (FAP1). Also called: FAMILIAL ADENOMATOUS POLYPOSIS 1, ATTENUATED; POLYPOSIS, ADENOMATOUS INTESTINAL. Identifiers: MedGen C2713442, MONDO:0021056, OMIM 175100. Disease mechanism: loss of function.

Allele frequency attached by ClinVar (database versions not stated): gnomAD exomes below 0.00001 and 0.00001; TOPMed 0.00002.
gnomAD v4.1: 18 of 1,614,034 alleles (0.0011%); highest among the groups gnomAD compares: Non-Finnish European, 0.0014%; no homozygotes.

Submissions (8):

Labcorp Genetics (formerly Invitae), Labcorp
Classification: Uncertain significance for Familial adenomatous polyposis 1. Last evaluated: 2026-01-13. Review status: criteria provided, single submitter. Criteria: Invitae Variant Classification Sherloc (09022015). Collection method: clinical testing. Allele origin: germline.
Comment: This sequence change replaces serine, which is neutral and polar, with asparagine, which is neutral and polar, at codon 111 of the APC protein (p.Ser111Asn). This variant is present in population databases (rs786202322, gnomAD 0.0009%). This variant has not been reported in the literature in individuals affected with APC-related conditions. ClinVar contains an entry for this variant (Variation ID: 185623). Invitae Evidence Modeling of protein sequence and biophysical properties (such as structural, functional, and spatial information, amino acid conservation, physicochemical variation, residue mobility, and thermodynamic stability) indicates that this missense variant is not expected to disrupt APC protein function with a negative predictive value of 95%. In summary, the available evidence is currently insufficient to determine the role of this variant in disease. Therefore, it has been classified as a Variant of Uncertain Significance.

Color Diagnostics, LLC DBA Color Health
Classification: Uncertain significance for Hereditary cancer-predisposing syndrome. Last evaluated: 2025-08-05. Review status: criteria provided, single submitter. Criteria: ACMG Guidelines, 2015. Collection method: clinical testing. Allele origin: germline.
Comment: This missense variant replaces serine with asparagine at codon 111 of the APC protein. Computational prediction suggests that this variant may not impact protein structure and function. To our knowledge, functional studies have not been reported for this variant. This variant has not been reported in individuals affected with APC-related disorders in the literature. This variant has been identified in 1/251464 chromosomes in the general population by the Genome Aggregation Database (gnomAD). The available evidence is insufficient to determine the role of this variant in disease conclusively. Therefore, this variant is classified as a Variant of Uncertain Significance.

Ambry Genetics
Classification: Uncertain significance for Hereditary cancer-predisposing syndrome. Last evaluated: 2024-10-10. Review status: criteria provided, single submitter. Criteria: Ambry Variant Classification Scheme 2023. Collection method: clinical testing. Allele origin: germline.
Comment: The p.S111N variant (also known as c.332G>A), located in coding exon 3 of the APC gene, results from a G to A substitution at nucleotide position 332. The serine at codon 111 is replaced by asparagine, an amino acid with highly similar properties. This amino acid position is highly conserved in available vertebrate species. Missense alterations in APC are not a common cause of disease (Spier I et al. Genet Med. 2024 Feb;26(2):100992). In addition, in silico predictors for this gene do not accurately predict pathogenicity. Since supporting evidence is limited at this time, the clinical significance of this alteration remains unclear.

All of Us Research Program, National Institutes of Health
Classification: Uncertain significance for Classic or attenuated familial adenomatous polyposis. Last evaluated: 2023-12-18. Review status: criteria provided, single submitter. Criteria: ACMG Guidelines, 2015. Collection method: clinical testing. Allele origin: germline. Inheritance: Autosomal dominant inheritance. Observed: 2 variant alleles, 2 heterozygotes.
Comment: This missense variant replaces serine with asparagine at codon 111 of the APC protein. Computational prediction suggests that this variant may not impact protein structure and function (internally defined REVEL score threshold <= 0.5, PMID: 27666373). Splice site prediction tools suggest that this variant may not impact RNA splicing. To our knowledge, functional studies have not been performed for this variant. This variant has not been reported in individuals affected with hereditary cancer in the literature. This variant has been identified in 1/251464 chromosomes in the general population by the Genome Aggregation Database (gnomAD). The available evidence is insufficient to determine the role of this variant in disease conclusively. Therefore, this variant is classified as a Variant of Uncertain Significance.

This study involves interpretation of variants in research participants for the purpose of population health screening. Participant phenotype was not available at the time of variant classification. Additional details can be found in publication PMID: 35346344, PMCID: PMC8962531

Myriad Genetics, Inc.
Classification: Uncertain significance for Familial adenomatous polyposis 1. Last evaluated: 2023-02-16. Review status: criteria provided, single submitter. Criteria: Myriad Autosomal Dominant, Autosomal Recessive and X-Linked Classification Criteria (2023). Collection method: clinical testing. Allele origin: unknown.
Comment: This variant is classified as a variant of uncertain significance as there is insufficient evidence to determine its impact on protein function and/or cancer risk.

Baylor Genetics
Classification: Uncertain significance for Familial adenomatous polyposis 1. Last evaluated: 2023-01-26. Review status: criteria provided, single submitter. Criteria: ACMG Guidelines, 2015. Collection method: clinical testing. Allele origin: unknown.

GeneDx
Classification: Uncertain significance. Last evaluated: 2019-09-24. Review status: criteria provided, single submitter. Criteria: GeneDx Variant Classification Process June 2021. Collection method: clinical testing. Allele origin: germline. Affected: yes.
Comment: Not observed at a significant frequency in large population cohorts (Lek 2016); In silico analysis, which includes protein predictors and evolutionary conservation, supports that this variant does not alter protein structure/function; Has not been previously published as pathogenic or benign to our knowledge

Counsyl
Classification: Uncertain significance for Familial adenomatous polyposis 1. Last evaluated: 2017-03-07. Review status: no assertion criteria provided. Collection method: clinical testing. Allele origin: unknown. Not counted in ClinVar's aggregate classification.